The following is an entry in ClinVar:

NM_012452.3(TNFRSF13B):c.155C>T (p.Thr52Ile)

Gene: TNFRSF13B (TNF receptor superfamily member 13B; minus strand). Cytogenetic location: 17p11.2.
Variant type: single nucleotide variant.
Coding change: c.155C>T on transcript NM_012452.3 (MANE Select); coding-DNA position 155, C replaced by T.
Protein change: p.Thr52Ile; replaces threonine 52 with isoleucine.
Molecular consequence: missense variant.
Genome position (GRCh38, 1-based): chr17:16,952,490, G>A on the plus strand (C>T on the coding strand, the complement: TNFRSF13B is on the minus strand). VCF-style: chr17-16952490-G-A. GRCh37 (hg19) VCF-style: chr17-16855804-G-A.
Other names: short protein forms T52I.
Identifiers: ClinVar variation 955743 (VCV000955743.6), dbSNP rs1294881198, ClinGen allele CA398520372.

ClinVar aggregate classification (germline): Uncertain significance (1 of 4 stars; one submission).

Conditions:
Immunodeficiency, common variable, 2 (CVID2). Also called: ANTIBODY DEFICIENCY DUE TO TACI DEFECT; HYPOGAMMAGLOBULINEMIA DUE TO TACI DEFICIENCY. Identifiers: Orphanet 1572, MedGen C3150354, MONDO:0009413, OMIM 240500.

Allele frequency attached by ClinVar (database versions not stated): gnomAD below 0.00001 and 0.00001; gnomAD exomes below 0.00001.
gnomAD v4.1: 6 of 1,614,082 alleles (0.00037%); highest among the groups gnomAD compares: South Asian, 0.0033%; no homozygotes.

Submission:

Labcorp Genetics (formerly Invitae), Labcorp
Classification: Uncertain significance for Immunodeficiency, common variable, 2. Last evaluated: 2019-07-23. Review status: criteria provided, single submitter. Criteria: Invitae Variant Classification Sherloc (09022015). Collection method: clinical testing. Allele origin: germline.
Comment: In summary, the available evidence is currently insufficient to determine the role of this variant in disease. Therefore, it has been classified as a Variant of Uncertain Significance. Algorithms developed to predict the effect of missense changes on protein structure and function (SIFT, PolyPhen-2, Align-GVGD) all suggest that this variant is likely to be tolerated, but these predictions have not been confirmed by published functional studies and their clinical significance is uncertain. This variant has not been reported in the literature in individuals with TNFRSF13B-related conditions. This variant is not present in population databases (ExAC no frequency). This sequence change replaces threonine with isoleucine at codon 52 of the TNFRSF13B protein (p.Thr52Ile). The threonine residue is weakly conserved and there is a moderate physicochemical difference between threonine and isoleucine.